The following is an entry in ClinVar:

ClinVar aggregate classification (germline): Uncertain significance (1 of 4 stars; one submission).

Conditions:
SEMA3D-related disorder. Also called: SEMA3D-related condition.

Submission:

PreventionGenetics, part of Exact Sciences
Classification: Uncertain significance for SEMA3D-related condition. Last evaluated: 2026-07-21. Review status: criteria provided, single submitter. Criteria: ACMG Guidelines, 2015. Collection method: clinical testing. Allele origin: germline.
Comment: The SEMA3D c.1150G>A variant is predicted to result in the amino acid substitution p.Val384Met. To our knowledge, this variant has not been reported in the literature or in a large population database (gnomAD), indicating this variant is rare. At this time, the clinical significance of this variant is uncertain due to the absence of conclusive functional and genetic evidence.

NM_001384900.1(SEMA3D):c.1150G>A (p.Val384Met)

Gene: SEMA3D (semaphorin 3D; minus strand). Cytogenetic location: 7q21.11.
Variant type: single nucleotide variant.
Coding change: c.1150G>A on transcript NM_001384900.1 (MANE Select); coding-DNA position 1150, G replaced by A.
Protein change: p.Val384Met; replaces valine 384 with methionine.
Molecular consequence: missense variant.
Genome position (GRCh38, 1-based): chr7:85,036,930, C>T on the plus strand (G>A on the coding strand, the complement: SEMA3D is on the minus strand). VCF-style: chr7-85036930-C-T. GRCh37 (hg19) VCF-style: chr7-84666246-C-T.
Other names: c.1150G>A, p.Val384Met (NM_001384901.1, NM_001384902.1, NM_001384903.1 and 1 more transcripts); short protein forms V384M.
Identifiers: ClinVar variation 4983412 (VCV004983412.1).